The following is an entry in ClinVar:

NM_033026.6(PCLO):c.5783A>G (p.Tyr1928Cys)

Gene: PCLO (piccolo presynaptic cytomatrix protein; minus strand). Cytogenetic location: 7q21.11.
Variant type: single nucleotide variant.
Coding change: c.5783A>G on transcript NM_033026.6 (MANE Select); coding-DNA position 5783, A replaced by G.
Protein change: p.Tyr1928Cys; replaces tyrosine 1928 with cysteine.
Molecular consequence: missense variant.
Genome position (GRCh38, 1-based): chr7:82,955,170, T>C on the plus strand (A>G on the coding strand, the complement: PCLO is on the minus strand). VCF-style: chr7-82955170-T-C. GRCh37 (hg19) VCF-style: chr7-82584486-T-C.
Other names: c.5783A>G (NM_033026.5); c.5783A>G, p.Tyr1928Cys (NM_014510.3); short protein forms Y1928C.
Identifiers: ClinVar variation 2080885 (VCV002080885.2), dbSNP rs778280180, ClinGen allele CA4320583.

ClinVar aggregate classification (germline): Uncertain significance. Review status: criteria provided, multiple submitters, no conflicts (2 of 4 stars). 2 submissions from 2 submitters: Uncertain significance (2). Last evaluated 2025-08-14.

Conditions:
Inborn genetic diseases. Identifiers: MedGen C0950123, MeSH D030342.

Allele frequency attached by ClinVar (database versions not stated): gnomAD exomes 0.00001; TOPMed 0.00001; ExAC 0.00002.
gnomAD v4.1: 16 of 1,613,832 alleles (0.00099%); highest among the groups gnomAD compares: Admixed American, 0.023%; 1 homozygote.

Submissions (2):

Ambry Genetics
Classification: Uncertain significance for Inborn genetic diseases. Last evaluated: 2025-08-14. Review status: criteria provided, single submitter. Criteria: Ambry Variant Classification Scheme 2023. Collection method: clinical testing. Allele origin: germline.

Labcorp Genetics (formerly Invitae), Labcorp
Classification: Uncertain significance. Last evaluated: 2022-11-01. Review status: criteria provided, single submitter. Criteria: Invitae Variant Classification Sherloc (09022015). Collection method: clinical testing. Allele origin: germline.
Comment: This sequence change replaces tyrosine, which is neutral and polar, with cysteine, which is neutral and slightly polar, at codon 1928 of the PCLO protein (p.Tyr1928Cys). This variant is present in population databases (rs778280180, gnomAD 0.04%). This variant has not been reported in the literature in individuals affected with PCLO-related conditions. Algorithms developed to predict the effect of missense changes on protein structure and function are either unavailable or do not agree on the potential impact of this missense change (SIFT: "Deleterious"; PolyPhen-2: "Not Available"; Align-GVGD: "Class C0"). In summary, the available evidence is currently insufficient to determine the role of this variant in disease. Therefore, it has been classified as a Variant of Uncertain Significance.